The following is an entry in ClinVar:

NM_000245.4(MET):c.660G>A (p.Lys220=)

Gene: MET (MET proto-oncogene, receptor tyrosine kinase; plus strand). Cytogenetic location: 7q31.2.
Variant type: single nucleotide variant.
Coding change: c.660G>A on transcript NM_000245.4 (MANE Select); coding-DNA position 660, G replaced by A.
Protein change: p.Lys220=; no amino-acid change (lysine 220 retained).
Molecular consequence: synonymous variant. On other transcripts: intron variant (1).
Genome position (GRCh38, 1-based): chr7:116,699,744, G>A. VCF-style: chr7-116699744-G-A. GRCh37 (hg19) VCF-style: chr7-116339798-G-A.
Other names: c.660G>A, p.Lys220= (NM_001127500.3, NM_001324401.3); c.-91+27167G>A (NM_001324402.2).
Identifiers: ClinVar variation 3773364 (VCV003773364.1).

ClinVar aggregate classification (germline): Benign (1 of 4 stars; one submission).

Conditions:
Papillary renal cell carcinoma type 1 (RCCP1). Also called: Renal adenocarcinoma; Renal cell carcinoma 1; Renal cell carcinoma, somatic; RENAL CELL CARCINOMA, PAPILLARY, 1, SOMATIC. Identifiers: Orphanet 47044, MedGen C1336839, OMIM 605074, HP:0011797.

Submission:

Myriad Genetics, Inc.
Classification: Benign for Papillary renal cell carcinoma type 1. Last evaluated: 2024-11-06. Review status: criteria provided, single submitter. Criteria: Myriad Autosomal Dominant, Autosomal Recessive and X-Linked Classification Criteria (2023). Collection method: clinical testing. Allele origin: unknown.
Comment: This variant is considered benign. This variant is a silent/synonymous amino acid change and it is not expected to impact splicing.